The following is an entry in ClinVar:

NM_000719.7(CACNA1C):c.1410G>T (p.Glu470Asp)

Gene: CACNA1C (calcium voltage-gated channel subunit alpha1 C; plus strand). Cytogenetic location: 12p13.33.
Variant type: single nucleotide variant.
Coding change: c.1410G>T on transcript NM_000719.7 (MANE Select); coding-DNA position 1410, G replaced by T.
Protein change: p.Glu470Asp; replaces glutamic acid 470 with aspartic acid.
Molecular consequence: missense variant.
Genome position (GRCh38, 1-based): chr12:2,549,962, G>T. VCF-style: chr12-2549962-G-T. GRCh37 (hg19) VCF-style: chr12-2659128-G-T.
Other names: c.1401G>T, p.Glu467Asp (NM_001129844.2); c.1410G>T, p.Glu470Asp (NM_001129846.2, NM_001167623.2, NM_001167624.3 and 18 more transcripts); short protein forms E470D, E467D.
Identifiers: ClinVar variation 526957 (VCV000526957.9), dbSNP rs1555774889, ClinGen allele CA383368150.

ClinVar aggregate classification (germline): Uncertain significance (1 of 4 stars; one submission).

Conditions:
Long QT syndrome (LQTS). Identifiers: MedGen C0023976, MeSH D008133, MONDO:0002442. Disease mechanism: loss of function. Inheritance: Various modes of inheritance.

Submission:

Labcorp Genetics (formerly Invitae), Labcorp
Classification: Uncertain significance for Long QT syndrome. Last evaluated: 2017-12-05. Review status: criteria provided, single submitter. Criteria: Invitae Variant Classification Sherloc (09022015). Collection method: clinical testing. Allele origin: germline.
Comment: In summary, the available evidence is currently insufficient to determine the role of this variant in disease. Therefore, it has been classified as a Variant of Uncertain Significance. Algorithms developed to predict the effect of missense changes on protein structure and function (SIFT, PolyPhen-2, Align-GVGD) all suggest that this variant is likely to be tolerated, but these predictions have not been confirmed by published functional studies and their clinical significance is uncertain. This variant has not been reported in the literature in individuals with CACNA1C-related disease. This variant is not present in population databases (ExAC no frequency). This sequence change replaces glutamic acid with aspartic acid at codon 470 of the CACNA1C protein (p.Glu470Asp). The glutamic acid residue is moderately conserved and there is a small physicochemical difference between glutamic acid and aspartic acid.